The following is an entry in ClinVar:

NM_017755.6(NSUN2):c.168G>T (p.Lys56Asn)

Gene: NSUN2 (NOP2/Sun RNA methyltransferase 2; minus strand). Cytogenetic location: 5p15.31.
Variant type: single nucleotide variant.
Coding change: c.168G>T on transcript NM_017755.6 (MANE Select); coding-DNA position 168, G replaced by T.
Protein change: p.Lys56Asn; replaces lysine 56 with asparagine.
Molecular consequence: missense variant. On other transcripts: non-coding transcript variant (1).
Genome position (GRCh38, 1-based): chr5:6,632,685, C>A on the plus strand (G>T on the coding strand, the complement: NSUN2 is on the minus strand). VCF-style: chr5-6632685-C-A. GRCh37 (hg19) VCF-style: chr5-6632798-C-A.
Other names: c.168G>T, p.Lys56Asn (NM_001193455.2); short protein forms K56N.
Identifiers: ClinVar variation 2421888 (VCV002421888.2), dbSNP rs772238201, ClinGen allele CA3192908.
Genomic context (GRCh38, chr5:6,632,685, plus strand): 5'-GGCCGGGAGCGGCTCCCTGAGAGCGTCCATGAACTGGCCCCACTCGCCCTCGGGCACGAT[C>A]TTGAGCTCCTGGTAGTAGTGCTCGAACAGCTTGTTCTCCTTGACGATCTCGGGGTAGCCT-3'
Protein context (NP_060225.4, residues 46-66): KLFEHYYQEL[Lys56Asn]IVPEGEWGQF

ClinVar aggregate classification (germline): Uncertain significance (1 of 4 stars; one submission).

Allele frequency attached by ClinVar (database versions not stated): ExAC 0.00001; gnomAD 0.00004; TOPMed 0.00006.
gnomAD v4.1: 10 of 1,614,096 alleles (0.00062%); highest among the groups gnomAD compares: African/African-American, 0.011%; no homozygotes.

Submission:

Labcorp Genetics (formerly Invitae), Labcorp
Classification: Uncertain significance. Last evaluated: 2022-06-21. Review status: criteria provided, single submitter. Criteria: Invitae Variant Classification Sherloc (09022015). Collection method: clinical testing. Allele origin: germline.
Comment: This sequence change replaces lysine, which is basic and polar, with asparagine, which is neutral and polar, at codon 56 of the NSUN2 protein (p.Lys56Asn). This variant is present in population databases (rs772238201, gnomAD 0.01%). This variant has not been reported in the literature in individuals affected with NSUN2-related conditions. Algorithms developed to predict the effect of missense changes on protein structure and function (SIFT, PolyPhen-2, Align-GVGD) all suggest that this variant is likely to be tolerated. In summary, the available evidence is currently insufficient to determine the role of this variant in disease. Therefore, it has been classified as a Variant of Uncertain Significance.